The following is an entry in ClinVar:

NM_004481.5(GALNT2):c.1642G>T (p.Gly548Trp)

Gene: GALNT2 (polypeptide N-acetylgalactosaminyltransferase 2; plus strand). Cytogenetic location: 1q42.13.
Variant type: single nucleotide variant.
Coding change: c.1642G>T on transcript NM_004481.5 (MANE Select); coding-DNA position 1642, G replaced by T.
Protein change: p.Gly548Trp; replaces glycine 548 with tryptophan.
Molecular consequence: missense variant.
Genome position (GRCh38, 1-based): chr1:230,279,384, G>T. VCF-style: chr1-230279384-G-T. GRCh37 (hg19) VCF-style: chr1-230415130-G-T.
Other names: c.1528G>T, p.Gly510Trp (NM_001291866.2); short protein forms G510W, G548W.
Identifiers: ClinVar variation 2473424 (VCV002473424.4), dbSNP rs763766688, ClinGen allele CA1446590.
Genomic context (GRCh38, chr1:230,279,384, plus strand): 5'-AACTCCAAGCTGAGGCACGTGGGCAGCAACCTGTGCCTGGACAGTCGCACGGCCAAGAGC[G>T]GGGGCCTAAGCGTGGAGGTGTGTGGCCCGGCCCTTTCGCAGCAGTGGAAGTTCACGCTCA-3'
Protein context (NP_004472.1, residues 538-558): LCLDSRTAKS[Gly548Trp]GLSVEVCGPA

ClinVar aggregate classification (germline): Uncertain significance. Review status: criteria provided, multiple submitters, no conflicts (2 of 4 stars). 2 submissions from 2 submitters: Uncertain significance (2). Last evaluated 2023-03-14.

Conditions:
Congenital disorder of glycosylation, type iit. Also called: CDG IIt. Identifiers: MedGen C5394387, MONDO:0030043, OMIM 618885.
Inborn genetic diseases. Identifiers: MedGen C0950123, MeSH D030342.

Allele frequency attached by ClinVar (database versions not stated): gnomAD 0.00005.
gnomAD v4.1: 50 of 1,614,004 alleles (0.0031%); highest among the groups gnomAD compares: South Asian, 0.037%; no homozygotes.

Submissions (2):

Ambry Genetics
Classification: Uncertain significance for Inborn genetic diseases. Last evaluated: 2023-03-14. Review status: criteria provided, single submitter. Criteria: Ambry Variant Classification Scheme 2023. Collection method: clinical testing. Allele origin: germline.
Comment: The c.1642G>T (p.G548W) alteration is located in exon 16 (coding exon 16) of the GALNT2 gene. This alteration results from a G to T substitution at nucleotide position 1642, causing the glycine (G) at amino acid position 548 to be replaced by a tryptophan (W). This amino acid position is highly conserved in available vertebrate species. The in silico prediction for this alteration is inconclusive. Based on insufficient or conflicting evidence, the clinical significance of this alteration remains unclear.

Juno Genomics, Hangzhou Juno Genomics, Inc
Classification: Uncertain significance for Congenital disorder of glycosylation, type iit. Review status: criteria provided, single submitter. Criteria: ACMG Guidelines, 2015. Collection method: clinical testing. Allele origin: germline.
Comment: Absent from controls (or at extremely low frequency if recessive) in Genome Aggregation Database.